The following is an entry in ClinVar:

ClinVar aggregate classification (germline): Uncertain significance (1 of 4 stars; one submission).

Allele frequency attached by ClinVar (database versions not stated): gnomAD exomes below 0.00001; TOPMed below 0.00001.
gnomAD v4.1: 1 of 1,168,620 alleles (0.000086%); highest among the groups gnomAD compares: Non-Finnish European, 0.00012%; no homozygotes.

Submission:

GeneDx
Classification: Uncertain significance. Last evaluated: 2022-11-11. Review status: criteria provided, single submitter. Criteria: GeneDx Variant Classification Process June 2021. Collection method: clinical testing. Allele origin: germline. Affected: yes.
Comment: Not observed at significant frequency in large population cohorts (gnomAD); In silico analysis supports that this missense variant has a deleterious effect on protein structure/function; Has not been previously published as pathogenic or benign to our knowledge

NM_004586.3(RPS6KA3):c.1895G>A (p.Arg632Gln)

Gene: RPS6KA3 (ribosomal protein S6 kinase A3; minus strand). Cytogenetic location: Xp22.12.
Variant type: single nucleotide variant.
Coding change: c.1895G>A on transcript NM_004586.3 (MANE Select); coding-DNA position 1895, G replaced by A.
Protein change: p.Arg632Gln; replaces arginine 632 with glutamine.
Molecular consequence: missense variant.
Genome position (GRCh38, 1-based): chrX:20,161,708, C>T on the plus strand (G>A on the coding strand, the complement: RPS6KA3 is on the minus strand). VCF-style: chrX-20161708-C-T. GRCh37 (hg19) VCF-style: chrX-20179826-C-T.
Other names: short protein forms R632Q.
Identifiers: ClinVar variation 2502530 (VCV002502530.1), dbSNP rs1210859060, ClinGen allele CA412513568.
Genomic context (GRCh38, chrX:20,161,708, plus strand): 5'-GCTGTGTCTGAAACAGAATTCCAGTAACCACCACTGAGTGAGAATTTTCCGCTACCTATT[C>T]GTGCCAATATTTCCTCTGGTGTATCATCAGGACCATTTGCAAATGGAGTGTAACTAATTT-3'
Protein context (NP_004577.1, residues 622-642): PDDTPEEILA[Arg632Gln]IGSGKFSLSG